The following is an entry in ClinVar:

ClinVar aggregate classification (germline): Uncertain significance (1 of 4 stars; one submission).

Conditions:
Tatton-Brown-Rahman overgrowth syndrome. Also called: Tatton-Brown-Rahman syndrome; Tall stature-intellectual disability-facial dysmorphism syndrome. Identifiers: Orphanet 404443, MedGen C4014545, MONDO:0014382, OMIM 615879.

Allele frequency attached by ClinVar (database versions not stated): gnomAD exomes below 0.00001 and 0.00001; gnomAD 0.00001; TOPMed 0.00001; ESP Exome Variant Server 0.00008.
gnomAD v4.1: 11 of 1,613,746 alleles (0.00068%); highest among the groups gnomAD compares: South Asian, 0.0011%; no homozygotes.

Submission:

Labcorp Genetics (formerly Invitae), Labcorp
Classification: Uncertain significance for Tatton-Brown-Rahman overgrowth syndrome. Last evaluated: 2020-09-29. Review status: criteria provided, single submitter. Criteria: Invitae Variant Classification Sherloc (09022015). Collection method: clinical testing. Allele origin: germline.
Comment: In summary, the available evidence is currently insufficient to determine the role of this variant in disease. Therefore, it has been classified as a Variant of Uncertain Significance. Algorithms developed to predict the effect of missense changes on protein structure and function are either unavailable or do not agree on the potential impact of this missense change (SIFT: "Deleterious"; PolyPhen-2: "Probably Damaging"; Align-GVGD: "Class C0"). This variant has not been reported in the literature in individuals with DNMT3A-related conditions. This variant is not present in population databases (ExAC no frequency). This sequence change replaces arginine with tryptophan at codon 676 of the DNMT3A protein (p.Arg676Trp). The arginine residue is highly conserved and there is a moderate physicochemical difference between arginine and tryptophan.

NM_022552.5(DNMT3A):c.2026C>T (p.Arg676Trp)

Gene: DNMT3A (DNA methyltransferase 3 alpha; minus strand). Cytogenetic location: 2p23.3.
Variant type: single nucleotide variant.
Coding change: c.2026C>T on transcript NM_022552.5 (MANE Select); coding-DNA position 2026, C replaced by T.
Protein change: p.Arg676Trp; replaces arginine 676 with tryptophan.
Molecular consequence: missense variant. On other transcripts: non-coding transcript variant (1).
Genome position (GRCh38, 1-based): chr2:25,241,618, G>A on the plus strand (C>T on the coding strand, the complement: DNMT3A is on the minus strand). VCF-style: chr2-25241618-G-A. GRCh37 (hg19) VCF-style: chr2-25464487-G-A.
Other names: c.1570C>T, p.Arg524Trp (NM_001320893.1); c.1357C>T, p.Arg453Trp (NM_001375819.1); c.1459C>T, p.Arg487Trp (NM_153759.3); c.2026C>T, p.Arg676Trp (NM_175629.2); short protein forms R453W, R487W, R524W, R676W.
Identifiers: ClinVar variation 998917 (VCV000998917.9), dbSNP rs375399431, ClinGen allele CA43701677.
Genomic context (GRCh38, chr2:25,241,618, plus strand): 5'-ATACATGCTTCTGTGTGACGCTGCGGACGTCCCCGACGTACATGATCTTCCCCTGGTGCC[G>A]CACCATGCCCACCGTGATGGAGTCCTCACACACCTCCGAGGCAATGTAGCGGTCCACCTG-3'
Protein context (NP_072046.2, residues 666-686): CEDSITVGMV[Arg676Trp]HQGKIMYVGD